The following is an entry in ClinVar:

NM_152383.5(DIS3L2):c.487G>C (p.Asp163His)

Gene: DIS3L2 (DIS3 like 3'-5' exoribonuclease 2; plus strand). Cytogenetic location: 2q37.1.
Variant type: single nucleotide variant.
Coding change: c.487G>C on transcript NM_152383.5 (MANE Select); coding-DNA position 487, G replaced by C.
Protein change: p.Asp163His; replaces aspartic acid 163 with histidine.
Molecular consequence: missense variant. On other transcripts: non-coding transcript variant (2).
Genome position (GRCh38, 1-based): chr2:232,087,607, G>C. VCF-style: chr2-232087607-G-C. GRCh37 (hg19) VCF-style: chr2-232952317-G-C.
Other names: c.487G>C, p.Asp163His (NM_001257281.2, NM_001257282.2); short protein forms D163H.
Identifiers: ClinVar variation 1056040 (VCV001056040.9), dbSNP rs1471633200, ClinGen allele CA351155084.
Genomic context (GRCh38, chr2:232,087,607, plus strand): 5'-GAGGAGCTCTGTGGACACCATCTCCCGCAACAGTCCCTGAAAAGCTATAATGACAGTCCT[G>C]ATGTCATTGTAGAGGCTCAGTTTGATGGCAGCGACTCAGAAGATGGACATGGCATCACAC-3'
Protein context (NP_689596.4, residues 153-173): QSLKSYNDSP[Asp163His]VIVEAQFDGS

ClinVar aggregate classification (germline): Uncertain significance (1 of 4 stars; one submission).

Conditions:
Perlman syndrome (PRLMNS). Identifiers: Orphanet 2849, MedGen C0796113, MONDO:0009965, OMIM 267000.

Allele frequency attached by ClinVar (database versions not stated): gnomAD exomes below 0.00001; gnomAD 0.00001.
gnomAD v4.1: 3 of 1,613,948 alleles (0.00019%); highest among the groups gnomAD compares: Non-Finnish European, 0.00025%; no homozygotes.

Submission:

Labcorp Genetics (formerly Invitae), Labcorp
Classification: Uncertain significance for Perlman syndrome. Last evaluated: 2020-05-21. Review status: criteria provided, single submitter. Criteria: Invitae Variant Classification Sherloc (09022015). Collection method: clinical testing. Allele origin: germline.
Comment: In summary, the available evidence is currently insufficient to determine the role of this variant in disease. Therefore, it has been classified as a Variant of Uncertain Significance. Algorithms developed to predict the effect of missense changes on protein structure and function (SIFT, PolyPhen-2, Align-GVGD) all suggest that this variant is likely to be tolerated, but these predictions have not been confirmed by published functional studies and their clinical significance is uncertain. This variant has not been reported in the literature in individuals with DIS3L2-related conditions. This variant is not present in population databases (ExAC no frequency). This sequence change replaces aspartic acid with histidine at codon 163 of the DIS3L2 protein (p.Asp163His). The aspartic acid residue is moderately conserved and there is a moderate physicochemical difference between aspartic acid and histidine.